The following is an entry in ClinVar:

ClinVar aggregate classification (germline): Uncertain significance (1 of 4 stars; one submission).

Submission:

GeneDx
Classification: Uncertain significance. Last evaluated: 2024-06-13. Review status: criteria provided, single submitter. Criteria: GeneDx Variant Classification Process June 2021. Collection method: clinical testing. Allele origin: germline. Affected: yes.
Comment: Not observed at significant frequency in large population cohorts (gnomAD); Missense variant in a gene in which most reported pathogenic variants are truncating/loss of function; Has not been previously published as pathogenic or benign to our knowledge

NM_001267550.2(TTN):c.84896G>T (p.Trp28299Leu)

Genes: TTN (titin; minus strand), TTN-AS1 (TTN antisense RNA 1; plus strand). Cytogenetic location: 2q31.2.
Variant type: single nucleotide variant.
Coding change: c.84896G>T on transcript NM_001267550.2 (MANE Select); coding-DNA position 84896, G replaced by T.
Protein change: p.Trp28299Leu; replaces tryptophan 28299 with leucine.
Molecular consequence: missense variant.
Genome position (GRCh38, 1-based): chr2:178,561,236, C>A on the plus strand (G>T on the coding strand, the complement: TTN is on the minus strand). VCF-style: chr2-178561236-C-A. GRCh37 (hg19) VCF-style: chr2-179425963-C-A.
Other names: c.79973G>T, p.Trp26658Leu (NM_001256850.1); c.57701G>T, p.Trp19234Leu (NM_003319.4); c.77192G>T, p.Trp25731Leu (NM_133378.4); c.58076G>T, p.Trp19359Leu (NM_133432.3); c.58277G>T, p.Trp19426Leu (NM_133437.4); short protein forms W19234L, W19359L, W19426L, W25731L, W26658L, W28299L.
Identifiers: ClinVar variation 3390514 (VCV003390514.1).